The following is an entry in ClinVar:

ClinVar aggregate classification (germline): Likely benign. Review status: criteria provided, multiple submitters, no conflicts (2 of 4 stars). 2 submissions from 2 submitters: Likely benign (2). Last evaluated 2025-11-15.

Conditions:
Amelocerebrohypohidrotic syndrome (KTZS). Also called: EPILEPSY AND YELLOW TEETH; EPILEPSY, DEMENTIA, AND AMELOGENESIS IMPERFECTA; KOHLSCHUTTER SYNDROME; Kohlschutter's syndrome. Identifiers: Orphanet 1946, MedGen C0406740, MONDO:0009185, OMIM 226750.

Allele frequency attached by ClinVar (database versions not stated): TOPMed 0.00003; gnomAD 0.00004 and 0.00009; gnomAD exomes 0.00017 and 0.00020; 1000 Genomes Project 30x 0.00031; ExAC 0.00038; 1000 Genomes Project 0.00040.

Submissions (2):

Labcorp Genetics (formerly Invitae), Labcorp
Classification: Likely benign for Amelocerebrohypohidrotic syndrome. Last evaluated: 2025-11-15. Review status: criteria provided, single submitter. Criteria: Invitae Variant Classification Sherloc (09022015). Collection method: clinical testing. Allele origin: germline.

Illumina Laboratory Services, Illumina
Classification: Likely benign for Kohlschutter syndrome. Last evaluated: 2018-01-12. Review status: criteria provided, single submitter. Criteria: ICSL Variant Classification Criteria 13 December 2019. Collection method: clinical testing. Allele origin: germline.
Comment: This variant was observed in the ICSL laboratory as part of a predisposition screen in an ostensibly healthy population. It had not been previously curated by ICSL or reported in the Human Gene Mutation Database (HGMD: prior to June 1st, 2018), and was therefore a candidate for classification through an automated scoring system. Utilizing variant allele frequency, disease prevalence and penetrance estimates, and inheritance mode, an automated score was calculated to assess if this variant is too frequent to cause the disease. Based on the score and internal cut-off values, a variant classified as likely benign is not then subjected to further curation. The score for this variant resulted in a classification of likely benign for this disease.

NM_024589.3(ROGDI):c.175G>A (p.Glu59Lys)

Gene: ROGDI (rogdi atypical leucine zipper; minus strand). Cytogenetic location: 16p13.3.
Variant type: single nucleotide variant.
Coding change: c.175G>A on transcript NM_024589.3 (MANE Select); coding-DNA position 175, G replaced by A.
Protein change: p.Glu59Lys; replaces glutamic acid 59 with lysine.
Molecular consequence: missense variant. On other transcripts: non-coding transcript variant (1).
Genome position (GRCh38, 1-based): chr16:4,801,528, C>T on the plus strand (G>A on the coding strand, the complement: ROGDI is on the minus strand). VCF-style: chr16-4801528-C-T. GRCh37 (hg19) VCF-style: chr16-4851529-C-T.
Other names: short protein forms E59K.
Identifiers: ClinVar variation 319406 (VCV000319406.9), dbSNP rs2305659, ClinGen allele CA7882937.